The following is an entry in ClinVar:

NM_001277115.2(DNAH11):c.9022A>G (p.Ile3008Val)

Gene: DNAH11 (dynein axonemal heavy chain 11; plus strand). Cytogenetic location: 7p15.3.
Variant type: single nucleotide variant.
Coding change: c.9022A>G on transcript NM_001277115.2 (MANE Select); coding-DNA position 9022, A replaced by G.
Protein change: p.Ile3008Val; replaces isoleucine 3008 with valine.
Molecular consequence: missense variant.
Genome position (GRCh38, 1-based): chr7:21,765,509, A>G. VCF-style: chr7-21765509-A-G. GRCh37 (hg19) VCF-style: chr7-21805127-A-G.
Other names: c.9043A>G (NM_003777.3); short protein forms I3008V.
Identifiers: ClinVar variation 958010 (VCV000958010.17), dbSNP rs369862935, ClinGen allele CA4181822.
Genomic context (GRCh38, chr7:21,765,509, plus strand): 5'-GTTGGTCGCACGCTGAGAGTTAGAGCTCGGAAGTTCCCAGCCATAGTTAACTGCACGGCT[A>G]TTGACTGGTTTCATGCGTGGCCGCAGGAGGCTCTGGTCTCCGTCAGCAGGAGGTTCATTG-3'
Protein context (NP_001264044.1, residues 2998-3018): KFPAIVNCTA[Ile3008Val]DWFHAWPQEA

ClinVar aggregate classification (germline): Conflicting classifications of pathogenicity. Review status: criteria provided, conflicting classifications (1 of 4 stars). 5 submissions from 5 submitters: Uncertain significance (3); Likely benign (2). Last evaluated 2025-11-08.

Conditions:
Primary ciliary dyskinesia. Also called: Ciliary dyskinesia. Identifiers: Orphanet 244, MedGen C0008780, MONDO:0016575, HP:0012265.
Primary ciliary dyskinesia 7. Also called: CILIARY DYSKINESIA, PRIMARY, 7, WITH OR WITHOUT SITUS INVERSUS. Identifiers: Orphanet 244, MedGen C2678473, MONDO:0012748, OMIM 611884.

Allele frequency attached by ClinVar (database versions not stated): 1000 Genomes Project 30x 0.00031; gnomAD 0.00036; TOPMed 0.00039; 1000 Genomes Project 0.00040; ESP Exome Variant Server 0.00040.
gnomAD v4.1: 124 of 1,613,750 alleles (0.0077%); highest among the groups gnomAD compares: African/African-American, 0.13%; no homozygotes.

Submissions (5):

Labcorp Genetics (formerly Invitae), Labcorp
Classification: Likely benign for Primary ciliary dyskinesia. Last evaluated: 2025-11-08. Review status: criteria provided, single submitter. Criteria: Invitae Variant Classification Sherloc (09022015). Collection method: clinical testing. Allele origin: germline.

Baylor Genetics
Classification: Uncertain significance for Primary ciliary dyskinesia 7. Last evaluated: 2022-06-07. Review status: criteria provided, single submitter. Criteria: ACMG Guidelines, 2015. Collection method: clinical testing. Allele origin: unknown.

Revvity Omics, Revvity
Classification: Uncertain significance for Primary ciliary dyskinesia 7. Last evaluated: 2021-08-20. Review status: criteria provided, single submitter. Criteria: ACMG Guidelines, 2015. Collection method: clinical testing. Allele origin: germline.

Ambry Genetics
Classification: Uncertain significance for Primary ciliary dyskinesia. Last evaluated: 2015-01-16. Review status: criteria provided, single submitter. Criteria: Ambry Variant Classification Scheme 2023. Collection method: clinical testing. Allele origin: germline.
Comment: The p.I3015V variant (also known as c.9043A>G), located in coding exon 55 of the DNAH11 gene, results from an A to G substitution at nucleotide position 9043. The isoleucine at codon 3015 is replaced by valine, an amino acid with highly similar properties. Based on data from the NHLBI Exome Sequencing Project (ESP), the G allele has an overall frequency of approximately 0.04% (5/12470) total alleles studied, having been observed in 0.12% (5/4094) African American alleles. This alteration was not observed in the homozygous state in the 6,235 individuals studied. This amino acid position is well conserved in available vertebrate species. However, valine is the reference amino acid in several species. In addition, this alteration is predicted to be tolerated by in silico analysis. Since supporting evidence is limited at this time, the clinical significance of this variant remains unclear.

Breakthrough Genomics
Classification: Likely benign. Review status: criteria provided, single submitter. Criteria: ACMG Guidelines, 2015. Collection method: not provided. Allele origin: germline. Inheritance: Autosomal recessive inheritance. Affected: yes.